The following is an entry in ClinVar:

NM_020800.3(IFT80):c.1303G>A (p.Ala435Thr)

Genes: TRIM59-IFT80 (TRIM59-IFT80 readthrough (NMD candidate); minus strand), IFT80 (intraflagellar transport 80; minus strand). Cytogenetic location: 3q25.33.
Variant type: single nucleotide variant.
Coding change: c.1303G>A on transcript NM_020800.3 (MANE Select); coding-DNA position 1303, G replaced by A.
Protein change: p.Ala435Thr; replaces alanine 435 with threonine.
Molecular consequence: missense variant. On other transcripts: non-coding transcript variant (3).
Genome position (GRCh38, 1-based): chr3:160,300,895, C>T on the plus strand (G>A on the coding strand, the complement: IFT80 is on the minus strand). VCF-style: chr3-160300895-C-T. GRCh37 (hg19) VCF-style: chr3-160018683-C-T.
Other names: c.892G>A, p.Ala298Thr (NM_001190241.2, NM_001190242.2); short protein forms A435T, A298T.
Identifiers: ClinVar variation 1499387 (VCV001499387.5), dbSNP rs747879864, ClinGen allele CA2685209.

ClinVar aggregate classification (germline): Uncertain significance (1 of 4 stars; one submission).

Conditions:
Jeune thoracic dystrophy. Also called: Jeune syndrome; Short-rib thoracic dysplasia; Infantile thoracic dystrophy; Thoracic pelvic phalangeal dystrophy; Jeune's syndrome; Chondroectodermal dysplasia-like syndrome. Identifiers: Orphanet 474, MedGen C0265275, MONDO:0018770.

Allele frequency attached by ClinVar (database versions not stated): ExAC 0.00001; gnomAD exomes 0.00001.
gnomAD v4.1: 7 of 1,605,128 alleles (0.00044%); highest among the groups gnomAD compares: South Asian, 0.0079%; no homozygotes.

Submission:

Labcorp Genetics (formerly Invitae), Labcorp
Classification: Uncertain significance for Jeune thoracic dystrophy. Last evaluated: 2022-03-10. Review status: criteria provided, single submitter. Criteria: Invitae Variant Classification Sherloc (09022015). Collection method: clinical testing. Allele origin: germline.
Comment: This sequence change replaces alanine, which is neutral and non-polar, with threonine, which is neutral and polar, at codon 435 of the IFT80 protein (p.Ala435Thr). This variant is present in population databases (rs747879864, gnomAD 0.007%). This variant has not been reported in the literature in individuals affected with IFT80-related conditions. Algorithms developed to predict the effect of missense changes on protein structure and function output the following: SIFT: "Tolerated"; PolyPhen-2: "Benign"; Align-GVGD: "Class C0". The threonine amino acid residue is found in multiple mammalian species, which suggests that this missense change does not adversely affect protein function. In summary, the available evidence is currently insufficient to determine the role of this variant in disease. Therefore, it has been classified as a Variant of Uncertain Significance.